The following is an entry in ClinVar:

ClinVar aggregate classification (germline): Uncertain significance (1 of 4 stars; one submission).

Submission:

Labcorp Genetics (formerly Invitae), Labcorp
Classification: Uncertain significance. Last evaluated: 2022-04-23. Review status: criteria provided, single submitter. Criteria: Invitae Variant Classification Sherloc (09022015). Collection method: clinical testing. Allele origin: germline.
Comment: This sequence change replaces serine, which is neutral and polar, with proline, which is neutral and non-polar, at codon 1042 of the MYO5B protein (p.Ser1042Pro). In summary, the available evidence is currently insufficient to determine the role of this variant in disease. Therefore, it has been classified as a Variant of Uncertain Significance. Algorithms developed to predict the effect of missense changes on protein structure and function are either unavailable or do not agree on the potential impact of this missense change (SIFT: "Deleterious"; PolyPhen-2: "Benign"; Align-GVGD: "Class C0"). This variant has not been reported in the literature in individuals affected with MYO5B-related conditions. This variant is not present in population databases (gnomAD no frequency).

NM_001080467.3(MYO5B):c.3124T>C (p.Ser1042Pro)

Genes: MYO5B (myosin VB; minus strand), LOC126862746 (CDK7 strongly-dependent group 2 enhancer GRCh37_chr18:47405587-47406786; plus strand). Cytogenetic location: 18q21.1.
Variant type: single nucleotide variant.
Coding change: c.3124T>C on transcript NM_001080467.3 (MANE Select); coding-DNA position 3124, T replaced by C.
Protein change: p.Ser1042Pro; replaces serine 1042 with proline.
Molecular consequence: missense variant.
Genome position (GRCh38, 1-based): chr18:49,880,377, A>G on the plus strand (T>C on the coding strand, the complement: MYO5B is on the minus strand). VCF-style: chr18-49880377-A-G. GRCh37 (hg19) VCF-style: chr18-47406747-A-G.
Other names: short protein forms S1042P.
Identifiers: ClinVar variation 2129644 (VCV002129644.4), dbSNP rs2511261051, ClinGen allele CA402429108.